The following is an entry in ClinVar:

ClinVar aggregate classification (germline): Uncertain significance (1 of 4 stars; one submission).

Conditions:
Primary ciliary dyskinesia. Also called: Ciliary dyskinesia. Identifiers: Orphanet 244, MedGen C0008780, MONDO:0016575, HP:0012265.

Allele frequency attached by ClinVar (database versions not stated): gnomAD 0.00001; TOPMed 0.00002.

Submission:

Labcorp Genetics (formerly Invitae), Labcorp
Classification: Uncertain significance for Primary ciliary dyskinesia. Last evaluated: 2022-02-08. Review status: criteria provided, single submitter. Criteria: Invitae Variant Classification Sherloc (09022015). Collection method: clinical testing. Allele origin: germline.
Comment: This variant, c.5104_5106dup, results in the insertion of 1 amino acid(s) of the DNAH5 protein (p.Ser1702dup), but otherwise preserves the integrity of the reading frame. This variant is not present in population databases (gnomAD no frequency). This variant has been observed in individual(s) with clinical features of primary ciliary dyskinesia (Invitae). In at least one individual the data is consistent with being in trans (on the opposite chromosome) from a pathogenic variant. Experimental studies and prediction algorithms are not available or were not evaluated, and the functional significance of this variant is currently unknown. In summary, the available evidence is currently insufficient to determine the role of this variant in disease. Therefore, it has been classified as a Variant of Uncertain Significance.

NM_001369.3(DNAH5):c.5104_5106dup (p.Ser1702_Leu1703insSer)

Gene: DNAH5 (dynein axonemal heavy chain 5; minus strand). Cytogenetic location: 5p15.2.
Variant type: Duplication.
Coding change: c.5104_5106dup on transcript NM_001369.3 (MANE Select); coding-DNA positions 5104 to 5106, 3 bases duplicated (TCC; older notation c.5104_5106dupTCC).
Protein change: p.Ser1702_Leu1703insSer.
Molecular consequence: inframe insertion.
Genome position (GRCh38, 1-based): chr5:13,850,660-13,850,662, GGA duplicated on the plus strand (TCC on the coding strand, the reverse complement: DNAH5 is on the minus strand). VCF-style (leftmost placement, unchanged base first): chr5-13850659-G-GGGA. GRCh37 (hg19) VCF-style: chr5-13850768-G-GGGA.
Identifiers: ClinVar variation 2149371 (VCV002149371.1), dbSNP rs1404960971, ClinGen allele CA804523518.